The following is an entry in ClinVar:

NM_000170.3(GLDC):c.2964G>A (p.Arg988=)

Gene: GLDC (glycine decarboxylase; minus strand). Cytogenetic location: 9p24.1.
Variant type: single nucleotide variant.
Coding change: c.2964G>A on transcript NM_000170.3 (MANE Select); coding-DNA position 2964, G replaced by A.
Protein change: p.Arg988=; no amino-acid change (arginine 988 retained).
Molecular consequence: synonymous variant.
Genome position (GRCh38, 1-based): chr9:6,533,116, C>T on the plus strand (G>A on the coding strand, the complement: GLDC is on the minus strand). VCF-style: chr9-6533116-C-T. GRCh37 (hg19) VCF-style: chr9-6533116-C-T.
Identifiers: ClinVar variation 462883 (VCV000462883.45), dbSNP rs146045718, ClinGen allele CA4979987.
Genomic context (GRCh38, chr9:6,533,116, plus strand): 5'-ATAAACTTCCATGGGTGGGCAGGTACAAACCAGGTGCTGATCTCCATATATGTCATCAAT[C>T]CGGGCAATCGTTGGCCAGAATTTGTTCTCTGGTTTCACGAAGGGCTGCAAAGGACAAAAG-3'
Protein context (NP_000161.2, residues 978-998): PENKFWPTIA[Arg988=]IDDIYGDQHL

ClinVar aggregate classification (germline): Conflicting classifications of pathogenicity. Review status: criteria provided, conflicting classifications (1 of 4 stars). 6 submissions from 6 submitters: Uncertain significance (1); Likely benign (5). Last evaluated 2026-09-01.

Conditions:
Glycine encephalopathy. Also called: Nonketotic hyperglycinemia; Non-ketotic hyperglycinemia. Identifiers: Orphanet 407, MedGen C0751748, MONDO:0011612, HP:0008288.

Allele frequency attached by ClinVar (database versions not stated): gnomAD 0.00095 and 0.00099; TOPMed 0.00095; 1000 Genomes Project 0.00100; 1000 Genomes Project 30x 0.00109; gnomAD exomes 0.00113 and 0.00142; ExAC 0.00115; ESP Exome Variant Server 0.00131.
gnomAD v4.1: 2,221 of 1,612,676 alleles (0.14%); highest among the groups gnomAD compares: South Asian, 0.23%; 4 homozygotes.

Submissions (6):

CeGaT Center for Human Genetics Tuebingen
Classification: Likely benign. Last evaluated: 2026-09-01. Review status: criteria provided, single submitter. Criteria: CeGaT Center For Human Genetics Tuebingen Variant Classification Criteria Version 2. Collection method: clinical testing. Allele origin: germline. Affected: yes. Observed: 10 variant alleles.
Comment: GLDC: BP4, BP7

Labcorp Genetics (formerly Invitae), Labcorp
Classification: Likely benign for Glycine encephalopathy. Last evaluated: 2026-02-02. Review status: criteria provided, single submitter. Criteria: Invitae Variant Classification Sherloc (09022015). Collection method: clinical testing. Allele origin: germline.

Blueprint Genetics
Classification: Likely benign. Last evaluated: 2024-10-31. Review status: criteria provided, single submitter. Criteria: ACMG Guidelines, 2015. Collection method: clinical testing. Allele origin: germline.

Athena Diagnostics
Classification: Likely benign. Last evaluated: 2024-10-11. Review status: criteria provided, single submitter. Criteria: Athena Diagnostics Criteria. Collection method: clinical testing. Allele origin: unknown.

GeneDx
Classification: Likely benign. Last evaluated: 2021-05-06. Review status: criteria provided, single submitter. Criteria: GeneDx Variant Classification Process June 2021. Collection method: clinical testing. Allele origin: germline. Affected: yes.

Illumina Laboratory Services, Illumina
Classification: Uncertain significance for Glycine encephalopathy 1. Last evaluated: 2017-04-27. Review status: criteria provided, single submitter. Criteria: ICSL Variant Classification Criteria 13 December 2019. Collection method: clinical testing. Allele origin: germline.
Comment: This variant was observed as part of a predisposition screen in an ostensibly healthy population. A literature search was performed for the gene, cDNA change, and amino acid change (where applicable). Publications were found based on this search. However, the evidence from the literature, in combination with allele frequency data from public databases where available, was not sufficient to rule this variant in or out of causing disease. Therefore, this variant is classified as a variant of unknown significance.

Literature cited by the submitters: PubMed 22171071 (cited by Athena Diagnostics and Illumina Laboratory Services, Illumina).